The following is an entry in ClinVar:

NM_001134831.2(AHI1):c.2269_2272dup (p.His758fs)

Gene: AHI1 (Abelson helper integration site 1; minus strand). Cytogenetic location: 6q23.3.
Variant type: Duplication.
Coding change: c.2269_2272dup on transcript NM_001134831.2 (MANE Select); coding-DNA positions 2269 to 2272, 4 bases duplicated (CATC; older notation c.2269_2272dupCATC).
Protein change: p.His758fs; shifts the reading frame from histidine 758.
Molecular consequence: frameshift variant.
Genome position (GRCh38, 1-based): chr6:135,431,309-135,431,312, GATG duplicated on the plus strand (CATC on the coding strand, the reverse complement: AHI1 is on the minus strand). VCF-style (leftmost placement, unchanged base first): chr6-135431308-T-TGATG. GRCh37 (hg19) VCF-style: chr6-135752446-T-TGATG.
Other names: c.2269_2272dup, p.His758fs (NM_001134830.2, NM_001134832.2, NM_001350503.2 and 2 more transcripts); short protein forms H758fs.
Identifiers: ClinVar variation 5014958 (VCV005014958.1).

ClinVar aggregate classification (germline): Pathogenic (1 of 4 stars; one submission).

Conditions:
Joubert syndrome 3 (JBTS3). Also called: AHI1-related Ciliopathy. Identifiers: Orphanet 220493, MedGen C1837713, MONDO:0012078, OMIM 608629.

Submission:

Myriad Genetics, Inc.
Classification: Pathogenic for Joubert syndrome 3. Last evaluated: 2025-09-09. Review status: criteria provided, single submitter. Criteria: Myriad Autosomal Dominant, Autosomal Recessive and X-Linked Classification Criteria (2023). Collection method: clinical testing. Allele origin: unknown.
Comment: NM_001134831.1(AHI1):c.2269_2272dupCATC(H758Pfs*22) is expected to be pathogenic in the context of Joubert syndrome, AHI1-related. This variant is predicted to lead to an abnormal or absent protein product due to the creation of a premature termination codon in AHI1, a gene where loss-of-function variants are known to be pathogenic. Please note: this variant was assessed in the context of healthy population screening.